The following is an entry in ClinVar:

ClinVar aggregate classification (germline): Conflicting classifications of pathogenicity. Review status: criteria provided, conflicting classifications (1 of 4 stars). 5 submissions from 5 submitters: Uncertain significance (3); Likely benign (2). Last evaluated 2026-09-18.

Conditions:
ABCC6-related disorder. Also called: ABCC6-related condition.
Pseudoxanthoma elasticum, forme fruste. Also called: PSEUDOXANTHOMA ELASTICUM, HETEROZYGOUS; Pseudoxanthoma Elasticum, Incomplete. Identifiers: Orphanet 758, MedGen C1867450, MONDO:0008333, OMIM 177850.
Autosomal recessive inherited pseudoxanthoma elasticum (PXE). Identifiers: Orphanet 758, MedGen CN032334, MONDO:0009925, OMIM 264800.
Arterial calcification, generalized, of infancy, 2. Identifiers: Orphanet 51608, MedGen C3276161, MONDO:0013768, OMIM 614473.
Inborn genetic diseases. Identifiers: MedGen C0950123, MeSH D030342.

Allele frequency attached by ClinVar (database versions not stated): gnomAD exomes 0.00002; gnomAD 0.00012; TOPMed 0.00014.
gnomAD v4.1: 131 of 1,480,582 alleles (0.0088%); highest among the groups gnomAD compares: East Asian, 0.059%; 7 homozygotes.

Submissions (5):

PreventionGenetics, part of Exact Sciences
Classification: Uncertain significance for ABCC6-related condition. Last evaluated: 2026-09-18. Review status: criteria provided, single submitter. Criteria: ACMG Guidelines, 2015. Collection method: clinical testing. Allele origin: germline.
Comment: The ABCC6 c.392A>G variant is predicted to result in the amino acid substitution p.Gln131Arg. To our knowledge, this variant has not been reported in the literature. This variant is reported in 0.073% of alleles in individuals of East Asian descent in gnomAD, which may be too common to be a primary cause of disease. Although we suspect that this variant may be benign, at this time, the clinical significance of this variant is uncertain due to the absence of conclusive functional and genetic evidence.

Blueprint Genetics
Classification: Likely benign. Last evaluated: 2024-11-27. Review status: criteria provided, single submitter. Criteria: ACMG Guidelines, 2015. Collection method: clinical testing. Allele origin: germline.

Fulgent Genetics
Classification: Uncertain significance for Pseudoxanthoma elasticum, forme fruste; Autosomal recessive inherited pseudoxanthoma elasticum; Arterial calcification, generalized, of infancy, 2. Last evaluated: 2024-03-25. Review status: criteria provided, single submitter. Criteria: ACMG Guidelines, 2015. Collection method: clinical testing. Allele origin: germline.

CeGaT Center for Human Genetics Tuebingen
Classification: Likely benign. Last evaluated: 2023-04-01. Review status: criteria provided, single submitter. Criteria: CeGaT Center For Human Genetics Tuebingen Variant Classification Criteria Version 2. Collection method: clinical testing. Allele origin: germline. Affected: yes. Observed: 1 variant allele.
Comment: ABCC6: BP4, BS2

Ambry Genetics
Classification: Uncertain significance for Inborn genetic diseases. Last evaluated: 2022-06-09. Review status: criteria provided, single submitter. Criteria: Ambry Variant Classification Scheme 2023. Collection method: clinical testing. Allele origin: germline.

NM_001171.6(ABCC6):c.392A>G (p.Gln131Arg)

Gene: ABCC6 (ATP binding cassette subfamily C member 6; minus strand). Cytogenetic location: 16p13.11.
Variant type: single nucleotide variant.
Coding change: c.392A>G on transcript NM_001171.6 (MANE Select); coding-DNA position 392, A replaced by G.
Protein change: p.Gln131Arg; replaces glutamine 131 with arginine.
Molecular consequence: missense variant. On other transcripts: non-coding transcript variant (1).
Genome position (GRCh38, 1-based): chr16:16,219,636, T>C on the plus strand (A>G on the coding strand, the complement: ABCC6 is on the minus strand). VCF-style: chr16-16219636-T-C. GRCh37 (hg19) VCF-style: chr16-16313493-T-C.
Other names: c.50A>G, p.Gln17Arg (NM_001351800.1); short protein forms Q17R, Q131R.
Identifiers: ClinVar variation 2345617 (VCV002345617.29), dbSNP rs369280729, ClinGen allele CA278671485.